The following is an entry in ClinVar:

ClinVar aggregate classification (germline): Uncertain significance. Review status: criteria provided, multiple submitters, no conflicts (2 of 4 stars). 2 submissions from 2 submitters: Uncertain significance (2). Last evaluated 2026-04-22.

Conditions:
Hereditary cancer-predisposing syndrome. Also called: Tumor predisposition; Hereditary neoplastic syndrome; Neoplastic Syndromes, Hereditary; Hereditary Cancer Syndrome. Identifiers: Orphanet 140162, MedGen C0027672, MeSH D009386, MONDO:0015356.

Submissions (2):

Ambry Genetics
Classification: Uncertain significance for Hereditary cancer-predisposing syndrome. Last evaluated: 2026-04-22. Review status: criteria provided, single submitter. Criteria: Ambry Variant Classification Scheme 2023. Collection method: clinical testing. Allele origin: germline.
Comment: The p.G1457S variant (also known as c.4369G>A), located in coding exon 34 of the POLE gene, results from a G to A substitution at nucleotide position 4369. The glycine at codon 1457 is replaced by serine, an amino acid with similar properties. This amino acid position is conserved. In addition, this alteration is predicted to be tolerated by in silico analysis. Based on the available evidence, the clinical significance of this variant remains unclear.

Labcorp Genetics (formerly Invitae), Labcorp
Classification: Uncertain significance. Last evaluated: 2022-11-28. Review status: criteria provided, single submitter. Criteria: Invitae Variant Classification Sherloc (09022015). Collection method: clinical testing. Allele origin: germline.
Comment: This variant has not been reported in the literature in individuals affected with POLE-related conditions. This variant is not present in population databases (gnomAD no frequency). This sequence change replaces glycine, which is neutral and non-polar, with serine, which is neutral and polar, at codon 1457 of the POLE protein (p.Gly1457Ser). Advanced modeling of protein sequence and biophysical properties (such as structural, functional, and spatial information, amino acid conservation, physicochemical variation, residue mobility, and thermodynamic stability) performed at Invitae indicates that this missense variant is not expected to disrupt POLE protein function. In summary, the available evidence is currently insufficient to determine the role of this variant in disease. Therefore, it has been classified as a Variant of Uncertain Significance.

NM_006231.4(POLE):c.4369G>A (p.Gly1457Ser)

Gene: POLE (DNA polymerase epsilon, catalytic subunit; minus strand). Cytogenetic location: 12q24.33.
Variant type: single nucleotide variant.
Coding change: c.4369G>A on transcript NM_006231.4 (MANE Select); coding-DNA position 4369, G replaced by A.
Protein change: p.Gly1457Ser; replaces glycine 1457 with serine.
Molecular consequence: missense variant.
Genome position (GRCh38, 1-based): chr12:132,643,482, C>T on the plus strand (G>A on the coding strand, the complement: POLE is on the minus strand). VCF-style: chr12-132643482-C-T. GRCh37 (hg19) VCF-style: chr12-133220068-C-T.
Other names: c.4369G>A (NM_006231.2); short protein forms G1457S.
Identifiers: ClinVar variation 2817037 (VCV002817037.4), dbSNP rs2138551671, ClinGen allele CA387381258.